The following is an entry in ClinVar:

NM_000492.4(CFTR):c.4373G>T (p.Cys1458Phe)

Genes: CFTR (CF transmembrane conductance regulator; plus strand), LOC111674477 (CFTR intron 23 enhancer; plus strand). Cytogenetic location: 7q31.2.
Variant type: single nucleotide variant.
Coding change: c.4373G>T on transcript NM_000492.4 (MANE Select); coding-DNA position 4373, G replaced by T.
Protein change: p.Cys1458Phe; replaces cysteine 1458 with phenylalanine.
Molecular consequence: missense variant.
Genome position (GRCh38, 1-based): chr7:117,667,038, G>T. VCF-style: chr7-117667038-G-T. GRCh37 (hg19) VCF-style: chr7-117307092-G-T.
Other names: short protein forms C1458F.
Identifiers: ClinVar variation 3266671 (VCV003266671.1).

ClinVar aggregate classification (germline): Uncertain significance (1 of 4 stars; one submission).

Conditions:
Cystic fibrosis (CF). Also called: MUCOVISCIDOSIS. Identifiers: Orphanet 586, MedGen C0010674, MONDO:0009061, OMIM 219700. Disease mechanism: loss of function.

Submission:

Ambry Genetics
Classification: Uncertain significance for Cystic fibrosis. Last evaluated: 2024-05-11. Review status: criteria provided, single submitter. Criteria: Ambry Variant Classification Scheme 2023. Collection method: clinical testing. Allele origin: germline.
Comment: The p.C1458F variant (also known as c.4373G>T), located in coding exon 27 of the CFTR gene, results from a G to T substitution at nucleotide position 4373. The cysteine at codon 1458 is replaced by phenylalanine, an amino acid with highly dissimilar properties. This amino acid position is conserved. In addition, this alteration is predicted to be tolerated by in silico analysis. Based on the available evidence, the clinical significance of this variant remains unclear.